The following is an entry in ClinVar:

NM_001846.4(COL4A2):c.136G>A (p.Asp46Asn)

Gene: COL4A2 (collagen type IV alpha 2 chain; plus strand). Cytogenetic location: 13q34.
Variant type: single nucleotide variant.
Coding change: c.136G>A on transcript NM_001846.4 (MANE Select); coding-DNA position 136, G replaced by A.
Protein change: p.Asp46Asn; replaces aspartic acid 46 with asparagine.
Molecular consequence: missense variant.
Genome position (GRCh38, 1-based): chr13:110,357,508, G>A. VCF-style: chr13-110357508-G-A. GRCh37 (hg19) VCF-style: chr13-111009855-G-A.
Other names: short protein forms D46N.
Identifiers: ClinVar variation 3767625 (VCV003767625.2).

ClinVar aggregate classification (germline): Uncertain significance. Review status: criteria provided, multiple submitters, no conflicts (2 of 4 stars). 2 submissions from 2 submitters: Uncertain significance (2). Last evaluated 2025-08-22.

Conditions:
Inborn genetic diseases. Identifiers: MedGen C0950123, MeSH D030342.

gnomAD v4.1: 1 of 1,594,850 alleles (0.000063%); highest among the groups gnomAD compares: Non-Finnish European, 0.000086%; no homozygotes.

Submissions (2):

Ambry Genetics
Classification: Uncertain significance for Inborn genetic diseases. Last evaluated: 2025-08-22. Review status: criteria provided, single submitter. Criteria: Ambry Variant Classification Scheme 2023. Collection method: clinical testing. Allele origin: germline.

GeneDx
Classification: Uncertain significance. Last evaluated: 2024-09-09. Review status: criteria provided, single submitter. Criteria: GeneDx Variant Classification Process June 2021. Collection method: clinical testing. Allele origin: germline. Affected: yes.
Comment: Not observed at significant frequency in large population cohorts (gnomAD); In silico analysis supports that this missense variant has a deleterious effect on protein structure/function; Has not been previously published as pathogenic or benign to our knowledge